The following is an entry in ClinVar:

NM_025114.4(CEP290):c.772A>C (p.Asn258His)

Gene: CEP290 (centrosomal protein 290; minus strand). Cytogenetic location: 12q21.32.
Variant type: single nucleotide variant.
Coding change: c.772A>C on transcript NM_025114.4 (MANE Select); coding-DNA position 772, A replaced by C.
Protein change: p.Asn258His; replaces asparagine 258 with histidine.
Molecular consequence: missense variant.
Genome position (GRCh38, 1-based): chr12:88,129,774, T>G on the plus strand (A>C on the coding strand, the complement: CEP290 is on the minus strand). VCF-style: chr12-88129774-T-G. GRCh37 (hg19) VCF-style: chr12-88523551-T-G.
Other names: c.772A>C (NM_025114.3); short protein forms N258H.
Identifiers: ClinVar variation 1480798 (VCV001480798.10), dbSNP rs979378806, ClinGen allele CA241157434.

ClinVar aggregate classification (germline): Uncertain significance. Review status: criteria provided, multiple submitters, no conflicts (2 of 4 stars). 4 submissions from 4 submitters: Uncertain significance (4). Last evaluated 2026-03-10.

Conditions:
Inborn genetic diseases. Identifiers: MedGen C0950123, MeSH D030342.
Nephronophthisis. Also called: Juvenile Nephronophthisis. Identifiers: Orphanet 655, MedGen C0687120, MONDO:0019005, HP:0000090.
Joubert syndrome. Also called: Familial aplasia of the vermis; JOUBERT-BOLTSHAUSER SYNDROME. Identifiers: Orphanet 475, MedGen C5979921, MONDO:0018772.
Meckel-Gruber syndrome. Also called: Dysencephalia splachnocystica; DYSENCEPHALIA SPLANCHNOCYSTICA; GRUBER SYNDROME. Identifiers: Orphanet 564, MedGen C0265215, MONDO:0018921.
CEP290-related disorder. Also called: CEP290-related disorders; CEP290-related condition. Identifiers: MedGen CN239314.

Allele frequency attached by ClinVar (database versions not stated): gnomAD exomes below 0.00001 and 0.00001.
gnomAD v4.1: 1 of 1,487,562 alleles (0.000067%); highest among the groups gnomAD compares: Admixed American, 0.0024%; no homozygotes.

Submissions (4):

PreventionGenetics, part of Exact Sciences
Classification: Uncertain significance for CEP290-related condition. Last evaluated: 2026-03-10. Review status: criteria provided, single submitter. Criteria: ACMG Guidelines, 2015. Collection method: clinical testing. Allele origin: germline.
Comment: The CEP290 c.772A>C variant is predicted to result in the amino acid substitution p.Asn258His. To our knowledge, this variant has not been reported in the literature. This variant is reported in 0.0061% of alleles in individuals of Latino descent in gnomAD. At this time, the clinical significance of this variant is uncertain due to the absence of conclusive functional and genetic evidence.

Ambry Genetics
Classification: Uncertain significance for Inborn genetic diseases. Last evaluated: 2025-10-28. Review status: criteria provided, single submitter. Criteria: Ambry Variant Classification Scheme 2023. Collection method: clinical testing. Allele origin: germline.

Labcorp Genetics (formerly Invitae), Labcorp
Classification: Uncertain significance for Joubert syndrome; Meckel-Gruber syndrome; Nephronophthisis. Last evaluated: 2024-11-11. Review status: criteria provided, single submitter. Criteria: Invitae Variant Classification Sherloc (09022015). Collection method: clinical testing. Allele origin: germline.
Comment: This sequence change replaces asparagine, which is neutral and polar, with histidine, which is basic and polar, at codon 258 of the CEP290 protein (p.Asn258His). This variant is present in population databases (no rsID available, gnomAD 0.006%). This variant has not been reported in the literature in individuals affected with CEP290-related conditions. ClinVar contains an entry for this variant (Variation ID: 1480798). Invitae Evidence Modeling of protein sequence and biophysical properties (such as structural, functional, and spatial information, amino acid conservation, physicochemical variation, residue mobility, and thermodynamic stability) has been performed for this missense variant. However, the output from this modeling did not meet the statistical confidence thresholds required to predict the impact of this variant on CEP290 protein function. In summary, the available evidence is currently insufficient to determine the role of this variant in disease. Therefore, it has been classified as a Variant of Uncertain Significance.

Blueprint Genetics
Classification: Uncertain significance. Last evaluated: 2017-07-03. Review status: criteria provided, single submitter. Criteria: ACMG Guidelines, 2015. Collection method: clinical testing. Allele origin: germline.